The following is an entry in ClinVar:

NM_000257.4(MYH7):c.697G>A (p.Ala233Thr)

Gene: MYH7 (myosin heavy chain 7; minus strand). Cytogenetic location: 14q11.2.
Variant type: single nucleotide variant.
Coding change: c.697G>A on transcript NM_000257.4 (MANE Select); coding-DNA position 697, G replaced by A.
Protein change: p.Ala233Thr; replaces alanine 233 with threonine.
Molecular consequence: missense variant.
Genome position (GRCh38, 1-based): chr14:23,431,620, C>T on the plus strand (G>A on the coding strand, the complement: MYH7 is on the minus strand). VCF-style: chr14-23431620-C-T. GRCh37 (hg19) VCF-style: chr14-23900829-C-T.
Other names: short protein forms A233T.
Identifiers: ClinVar variation 644163 (VCV000644163.8), dbSNP rs730880848, ClinGen allele CA389052235.

ClinVar aggregate classification (germline): Uncertain significance (1 of 4 stars; one submission).

Conditions:
Hypertrophic cardiomyopathy. Also called: HYPERTROPHIC MYOCARDIOPATHY. Identifiers: Orphanet 217569, MedGen C0007194, MeSH D002312, MONDO:0005045, HP:0001639.

Allele frequency attached by ClinVar (database versions not stated): gnomAD exomes below 0.00001.

Submission:

Labcorp Genetics (formerly Invitae), Labcorp
Classification: Uncertain significance for Hypertrophic cardiomyopathy. Last evaluated: 2018-10-31. Review status: criteria provided, single submitter. Criteria: Invitae Variant Classification Sherloc (09022015). Collection method: clinical testing. Allele origin: germline.
Comment: This variant is found within a region of MYH7 between codons 181 and 937 that contains the majority of the myosin head domain. Missense variants in this region have been shown to be significantly overrepresented in individuals with hypertrophic cardiomyopathy (PMID: 27532257). In summary, the available evidence is currently insufficient to determine the role of this variant in disease. Therefore, it has been classified as a Variant of Uncertain Significance. Algorithms developed to predict the effect of missense changes on protein structure and function are either unavailable or do not agree on the potential impact of this missense change (SIFT: "Deleterious"; PolyPhen-2: "Probably Damaging"; Align-GVGD: "Class C0"). This variant has not been reported in the literature in individuals with MYH7-related disease. This variant is not present in population databases (ExAC no frequency). This sequence change replaces alanine with threonine at codon 233 of the MYH7 protein (p.Ala233Thr). The alanine residue is highly conserved and there is a small physicochemical difference between alanine and threonine.

Literature cited by the submitters: PubMed 27532257.